The following is an entry in ClinVar:

ClinVar aggregate classification (germline): Uncertain significance. Review status: criteria provided, multiple submitters, no conflicts (2 of 4 stars). 2 submissions from 2 submitters: Uncertain significance (2). Last evaluated 2024-03-19.

Conditions:
Inborn genetic diseases. Identifiers: MedGen C0950123, MeSH D030342.

Allele frequency attached by ClinVar (database versions not stated): ExAC 0.00001; gnomAD 0.00001; gnomAD exomes 0.00001; TOPMed 0.00002.

Submissions (2):

Ambry Genetics
Classification: Uncertain significance for Inborn genetic diseases. Last evaluated: 2024-03-19. Review status: criteria provided, single submitter. Criteria: Ambry Variant Classification Scheme 2023. Collection method: clinical testing. Allele origin: germline.

Labcorp Genetics (formerly Invitae), Labcorp
Classification: Uncertain significance. Last evaluated: 2022-05-25. Review status: criteria provided, single submitter. Criteria: Invitae Variant Classification Sherloc (09022015). Collection method: clinical testing. Allele origin: germline.
Comment: This sequence change replaces arginine, which is basic and polar, with glutamine, which is neutral and polar, at codon 110 of the MDH2 protein (p.Arg110Gln). This variant is present in population databases (rs782606353, gnomAD 0.0009%). This variant has not been reported in the literature in individuals affected with MDH2-related conditions. Algorithms developed to predict the effect of missense changes on protein structure and function are either unavailable or do not agree on the potential impact of this missense change (SIFT: "Deleterious"; PolyPhen-2: "Possibly Damaging"; Align-GVGD: "Class C0"). In summary, the available evidence is currently insufficient to determine the role of this variant in disease. Therefore, it has been classified as a Variant of Uncertain Significance.

NM_005918.4(MDH2):c.329G>A (p.Arg110Gln)

Gene: MDH2 (malate dehydrogenase 2; plus strand). Cytogenetic location: 7q11.23.
Variant type: single nucleotide variant.
Coding change: c.329G>A on transcript NM_005918.4 (MANE Select); coding-DNA position 329, G replaced by A.
Protein change: p.Arg110Gln; replaces arginine 110 with glutamine.
Molecular consequence: missense variant.
Genome position (GRCh38, 1-based): chr7:76,057,978, G>A. VCF-style: chr7-76057978-G-A. GRCh37 (hg19) VCF-style: chr7-75687296-G-A.
Other names: c.329G>A, p.Arg110Gln (NM_001282403.2); c.8G>A, p.Arg3Gln (NM_001282404.2); short protein forms R3Q, R110Q.
Identifiers: ClinVar variation 1729930 (VCV001729930.5), dbSNP rs782606353, ClinGen allele CA4305504.